The following is an entry in ClinVar:

ClinVar aggregate classification (germline): Pathogenic (1 of 4 stars; one submission).

Conditions:
Neuromuscular disease caused by qualitative or quantitative defects of dysferlin. Also called: Dysferlinopathy; Qualitative or quantitative defects of dysferlin. Identifiers: Orphanet 207073, MedGen C2931687, MONDO:0016145.

Submission:

Labcorp Genetics (formerly Invitae), Labcorp
Classification: Pathogenic for Neuromuscular disease caused by qualitative or quantitative defects of dysferlin. Last evaluated: 2024-10-29. Review status: criteria provided, single submitter. Criteria: Invitae Variant Classification Sherloc (09022015). Collection method: clinical testing. Allele origin: germline.
Comment: This sequence change affects an acceptor splice site in intron 12 of the DYSF gene. It is expected to disrupt RNA splicing. Variants that disrupt the donor or acceptor splice site typically lead to a loss of protein function (PMID: 16199547), and loss-of-function variants in DYSF are known to be pathogenic (PMID: 17698709, 20301480). This variant is not present in population databases (gnomAD no frequency). Disruption of this splice site has been observed in individual(s) with dysferlinopathy (PMID: 34559919). Algorithms developed to predict the effect of sequence changes on RNA splicing suggest that this variant may disrupt the consensus splice site. For these reasons, this variant has been classified as Pathogenic.

Literature cited by the submitters: PubMed 16199547; PubMed 17698709; PubMed 20301480; PubMed 34559919.

NM_001130987.2(DYSF):c.1277-2A>G

Gene: DYSF (dysferlin; plus strand). Cytogenetic location: 2p13.2.
Variant type: single nucleotide variant.
Coding change: c.1277-2A>G on transcript NM_001130987.2 (MANE Select); the canonical splice acceptor site of the intron before coding-DNA position 1277, A replaced by G.
Molecular consequence: splice acceptor variant.
Genome position (GRCh38, 1-based): chr2:71,528,296, A>G. VCF-style: chr2-71528296-A-G. GRCh37 (hg19) VCF-style: chr2-71755426-A-G.
Other names: c.1274-2A>G (NM_001130979.2, NM_001130981.2, NM_001130980.2); c.1181-2A>G (NM_001130978.2, NM_003494.4, NM_001130977.2 and 1 more transcripts); c.1184-2A>G (NM_001130983.2, NM_001130455.2, NM_001130984.2 and 1 more transcripts); c.1277-2A>G (NM_001130982.2, NM_001130985.2).
Identifiers: ClinVar variation 3622371 (VCV003622371.2).
Genomic context (GRCh38, chr2:71,528,296, plus strand): 5'-ACAGTCAGGGTTTTAGAGGAGAGACAGCAGGCAGGCAGTGACTGGTGTGTCCCTCTTCCC[A>G]GTGGACGATGCCGTGATGGACAACGTGAAACAGATCTTTGGCTTCGAGAGTAACAAGAAG-3'